The following is an entry in ClinVar:

NM_005045.4(RELN):c.8203C>T (p.His2735Tyr)

Genes: RELN (reelin; minus strand), SLC26A5-AS1 (SLC26A5 antisense RNA 1; plus strand). Cytogenetic location: 7q22.1.
Variant type: single nucleotide variant.
Coding change: c.8203C>T on transcript NM_005045.4 (MANE Select); coding-DNA position 8203, C replaced by T.
Protein change: p.His2735Tyr; replaces histidine 2735 with tyrosine.
Molecular consequence: missense variant.
Genome position (GRCh38, 1-based): chr7:103,510,922, G>A on the plus strand (C>T on the coding strand, the complement: RELN is on the minus strand). VCF-style: chr7-103510922-G-A. GRCh37 (hg19) VCF-style: chr7-103151369-G-A.
Other names: c.8203C>T, p.His2735Tyr (NM_173054.3); short protein forms H2735Y.
Identifiers: ClinVar variation 1366982 (VCV001366982.8), dbSNP rs1219212571, ClinGen allele CA368761427.

ClinVar aggregate classification (germline): Uncertain significance (1 of 4 stars; one submission).

Conditions:
Norman-Roberts syndrome (LIS2). Also called: Lissencephaly 2 (Norman-Roberts type). Identifiers: Orphanet 89844, MedGen C0796089, MONDO:0009760, OMIM 257320.
Familial temporal lobe epilepsy 7. Identifiers: Orphanet 101046, MedGen C4225327, MONDO:0014639, OMIM 616436.

Allele frequency attached by ClinVar (database versions not stated): gnomAD exomes below 0.00001.
gnomAD v4.1: 2 of 1,612,840 alleles (0.00012%); highest among the groups gnomAD compares: Non-Finnish European, 0.00017%; no homozygotes.

Submission:

Labcorp Genetics (formerly Invitae), Labcorp
Classification: Uncertain significance for Familial temporal lobe epilepsy 7; Norman-Roberts syndrome. Last evaluated: 2026-01-11. Review status: criteria provided, single submitter. Criteria: Invitae Variant Classification Sherloc (09022015). Collection method: clinical testing. Allele origin: germline.
Comment: This sequence change replaces histidine, which is basic and polar, with tyrosine, which is neutral and polar, at codon 2735 of the RELN protein (p.His2735Tyr). This variant is present in population databases (no rsID available, gnomAD 0.0009%). This variant has not been reported in the literature in individuals affected with RELN-related conditions. ClinVar contains an entry for this variant (Variation ID: 1366982). Invitae Evidence Modeling of protein sequence and biophysical properties (such as structural, functional, and spatial information, amino acid conservation, physicochemical variation, residue mobility, and thermodynamic stability) indicates that this missense variant is not expected to disrupt RELN protein function with a negative predictive value of 80%. In summary, the available evidence is currently insufficient to determine the role of this variant in disease. Therefore, it has been classified as a Variant of Uncertain Significance.